The following is an entry in ClinVar:

NM_001330078.2(NRXN1):c.65G>A (p.Gly22Asp)

Gene: NRXN1 (neurexin 1; minus strand). Cytogenetic location: 2p16.3.
Variant type: single nucleotide variant.
Coding change: c.65G>A on transcript NM_001330078.2 (MANE Select); coding-DNA position 65, G replaced by A.
Protein change: p.Gly22Asp; replaces glycine 22 with aspartic acid.
Molecular consequence: missense variant.
Genome position (GRCh38, 1-based): chr2:51,028,209, C>T on the plus strand (G>A on the coding strand, the complement: NRXN1 is on the minus strand). VCF-style: chr2-51028209-C-T. GRCh37 (hg19) VCF-style: chr2-51255347-C-T.
Other names: c.65G>A, p.Gly22Asp (NM_001330082.2, NM_001330083.2, NM_001330084.2 and 15 more transcripts); short protein forms G22D.
Identifiers: ClinVar variation 661069 (VCV000661069.8), dbSNP rs1575279682, ClinGen allele CA346824788.

ClinVar aggregate classification (germline): Uncertain significance (1 of 4 stars; one submission).

Conditions:
Pitt-Hopkins-like syndrome 2 (PTHSL2). Identifiers: Orphanet 221150, Orphanet 600663, MedGen C3280479, MONDO:0013690, OMIM 614325.

Submission:

Labcorp Genetics (formerly Invitae), Labcorp
Classification: Uncertain significance for Pitt-Hopkins-like syndrome 2. Last evaluated: 2018-07-23. Review status: criteria provided, single submitter. Criteria: Invitae Variant Classification Sherloc (09022015). Collection method: clinical testing. Allele origin: germline.
Comment: In summary, the available evidence is currently insufficient to determine the role of this variant in disease. Therefore, it has been classified as a Variant of Uncertain Significance. Algorithms developed to predict the effect of missense changes on protein structure and function are either unavailable or do not agree on the potential impact of this missense change (SIFT: "Deleterious"; PolyPhen-2: "Possibly Damaging"; Align-GVGD: "Class C0"). This variant has not been reported in the literature in individuals with NRXN1-related disease. While this variant is not present in population databases, the frequency information is unreliable, as metrics indicate poor data quality at this position in the ExAC database. This sequence change replaces glycine with aspartic acid at codon 22 of the NRXN1 protein (p.Gly22Asp). The glycine residue is highly conserved and there is a moderate physicochemical difference between glycine and aspartic acid.